The following is an entry in ClinVar:

NM_001035.3(RYR2):c.4217C>T (p.Thr1406Ile)

Gene: RYR2 (ryanodine receptor 2; plus strand). Cytogenetic location: 1q43.
Variant type: single nucleotide variant.
Coding change: c.4217C>T on transcript NM_001035.3 (MANE Select); coding-DNA position 4217, C replaced by T.
Protein change: p.Thr1406Ile; replaces threonine 1406 with isoleucine.
Molecular consequence: missense variant.
Genome position (GRCh38, 1-based): chr1:237,591,795, C>T. VCF-style: chr1-237591795-C-T. GRCh37 (hg19) VCF-style: chr1-237755095-C-T.
Other names: short protein forms T1406I.
Identifiers: ClinVar variation 3074951 (VCV003074951.1), dbSNP rs1358003914, ClinGen allele CA072653.
Genomic context (GRCh38, chr1:237,591,795, plus strand): 5'-TCAGATTTTTGCTTAGAAGAACAAAGCCAGATTACAGCACAAGCCATTCTGCAAGACTCA[C>T]CGAAGATGTCCTTGCTGATGATCGGGATGACTATGATTTCTTGATGCAAACGTCCACGGT-3'
Protein context (NP_001026.2, residues 1396-1416): DYSTSHSARL[Thr1406Ile]EDVLADDRDD

ClinVar aggregate classification (germline): Uncertain significance (1 of 4 stars; one submission).

Conditions:
Catecholaminergic polymorphic ventricular tachycardia (CVPT). Also called: Catecholamine-induced polymorphic ventricular tachycardia. Identifiers: Orphanet 3286, MedGen C5574922, MONDO:0017990.

Allele frequency attached by ClinVar (database versions not stated): gnomAD 0.00001; TOPMed 0.00001.
gnomAD v4.1: 1 of 1,613,618 alleles (0.000062%); highest among the groups gnomAD compares: East Asian, 0.0022%; no homozygotes.

Submission:

All of Us Research Program, National Institutes of Health
Classification: Uncertain significance for Catecholaminergic polymorphic ventricular tachycardia. Last evaluated: 2024-01-11. Review status: criteria provided, single submitter. Criteria: ACMG Guidelines, 2015. Collection method: clinical testing. Allele origin: germline. Inheritance: Autosomal dominant inheritance. Observed: 1 variant allele, 1 heterozygote.
Comment: This study involves interpretation of variants in research participants for the purpose of population health screening. Participant phenotype was not available at the time of variant classification. Additional details can be found in publication PMID: 35346344, PMCID: PMC8962531